The following is an entry in ClinVar:

NM_000489.6(ATRX):c.3151G>C (p.Asp1051His)

Gene: ATRX (ATRX chromatin remodeler; minus strand). Cytogenetic location: Xq21.1.
Variant type: single nucleotide variant.
Coding change: c.3151G>C on transcript NM_000489.6 (MANE Select); coding-DNA position 3151, G replaced by C.
Protein change: p.Asp1051His; replaces aspartic acid 1051 with histidine.
Molecular consequence: missense variant.
Genome position (GRCh38, 1-based): chrX:77,682,105, C>G on the plus strand (G>C on the coding strand, the complement: ATRX is on the minus strand). VCF-style: chrX-77682105-C-G. GRCh37 (hg19) VCF-style: chrX-76937597-C-G.
Other names: c.3037G>C, p.Asp1013His (NM_138270.5); short protein forms D1051H, D1013H.
Identifiers: ClinVar variation 3691183 (VCV003691183.2).

ClinVar aggregate classification (germline): Uncertain significance (1 of 4 stars; one submission).

Conditions:
Alpha thalassemia-X-linked intellectual disability syndrome (ATRX). Also called: ALPHA-THALASSEMIA/MENTAL RETARDATION SYNDROME, X-LINKED; ATR, NONDELETION TYPE; ATR-X syndrome; Alpha thalassemia mental retardation syndrome, nondeletion type, X-linked; XLMR hypotonic face syndrome; X-linked alpha-thalassemia-mental retardation syndrome. Identifiers: Orphanet 847, MedGen C1845055, MONDO:0010519, OMIM 301040.

gnomAD v4.1: 1 of 1,209,738 alleles (0.000083%); highest among the groups gnomAD compares: Non-Finnish European, 0.00011%; no homozygotes.

Submission:

Labcorp Genetics (formerly Invitae), Labcorp
Classification: Uncertain significance for Alpha thalassemia-X-linked intellectual disability syndrome. Last evaluated: 2024-03-27. Review status: criteria provided, single submitter. Criteria: Invitae Variant Classification Sherloc (09022015). Collection method: clinical testing. Allele origin: germline.
Comment: This sequence change replaces aspartic acid, which is acidic and polar, with histidine, which is basic and polar, at codon 1051 of the ATRX protein (p.Asp1051His). This variant is not present in population databases (gnomAD no frequency). This variant has not been reported in the literature in individuals affected with ATRX-related conditions. Advanced modeling of protein sequence and biophysical properties (such as structural, functional, and spatial information, amino acid conservation, physicochemical variation, residue mobility, and thermodynamic stability) performed at Invitae indicates that this missense variant is not expected to disrupt ATRX protein function with a negative predictive value of 95%. In summary, the available evidence is currently insufficient to determine the role of this variant in disease. Therefore, it has been classified as a Variant of Uncertain Significance.